The following is an entry in ClinVar:

ClinVar aggregate classification (germline): Uncertain significance (1 of 4 stars; one submission).

Conditions:
Neurodevelopmental disorder with dysmorphic facies and distal limb anomalies. Identifiers: Orphanet 686482, MedGen C4540327, MONDO:0060596, OMIM 617755.

Allele frequency attached by ClinVar (database versions not stated): gnomAD exomes below 0.00001.
gnomAD v4.1: 2 of 1,612,352 alleles (0.00012%); highest among the groups gnomAD compares: South Asian, 0.0011%; no homozygotes.

Submission:

Neuberg Centre For Genomic Medicine, NCGM
Classification: Uncertain significance for Neurodevelopmental disorder with dysmorphic facies and distal limb anomalies. Review status: criteria provided, single submitter. Criteria: ACMG Guidelines, 2015. Collection method: clinical testing. Allele origin: germline. Inheritance: Autosomal dominant inheritance. Affected: yes.
Comment: The missense c.5980C>Gp.Gln1994Glu variant in BPTF gene has not been reported previously as a pathogenic variant nor as a benign variant, to our knowledge. This variant is novel not in any individuals in gnomAD Exomes and 1000 Genomes. The amino acid Gln at position 1994 is changed to a Glu changing protein sequence and it might alter its composition and physico-chemical properties. The amino acid change p.Gln1994Glu in BPTF is predicted as conserved by GERP++ and PhyloP across 100 vertebrates. The variant is predicted as damaging by SIFT. For these reasons, this variant has been classified as Uncertain Significance.

NM_182641.4(BPTF):c.5980C>G (p.Gln1994Glu)

Gene: BPTF (bromodomain PHD finger transcription factor; plus strand). Cytogenetic location: 17q24.2.
Variant type: single nucleotide variant.
Coding change: c.5980C>G on transcript NM_182641.4 (MANE Select); coding-DNA position 5980, C replaced by G.
Protein change: p.Gln1994Glu; replaces glutamine 1994 with glutamic acid.
Molecular consequence: missense variant.
Genome position (GRCh38, 1-based): chr17:67,928,583, C>G. VCF-style: chr17-67928583-C-G. GRCh37 (hg19) VCF-style: chr17-65924699-C-G.
Other names: c.6358C>G, p.Gln2120Glu (NM_004459.7); short protein forms Q1994E, Q2120E.
Identifiers: ClinVar variation 3234905 (VCV003234905.1), dbSNP rs2511981313, ClinGen allele CA400717323.